The following is an entry in ClinVar:

ClinVar aggregate classification (germline): Uncertain significance (1 of 4 stars; one submission).

Conditions:
Neurofibromatosis, type 2 (SWNV). Also called: BILATERAL ACOUSTIC NEUROFIBROMATOSIS; NF2-Related Schwannomatosis; SCHWANNOMATOSIS, VESTIBULAR. Identifiers: Orphanet 637, MedGen C0027832, MONDO:0007039, OMIM 101000. Disease mechanism: loss of function.

Submission:

Labcorp Genetics (formerly Invitae), Labcorp
Classification: Uncertain significance for Neurofibromatosis, type 2. Last evaluated: 2022-11-01. Review status: criteria provided, single submitter. Criteria: Invitae Variant Classification Sherloc (09022015). Collection method: clinical testing. Allele origin: germline.
Comment: This sequence change replaces phenylalanine, which is neutral and non-polar, with leucine, which is neutral and non-polar, at codon 591 of the NF2 protein (p.Phe591Leu). In summary, the available evidence is currently insufficient to determine the role of this variant in disease. Therefore, it has been classified as a Variant of Uncertain Significance. Advanced modeling of protein sequence and biophysical properties (such as structural, functional, and spatial information, amino acid conservation, physicochemical variation, residue mobility, and thermodynamic stability) performed at Invitae indicates that this missense variant is not expected to disrupt NF2 protein function. This variant has not been reported in the literature in individuals affected with NF2-related conditions. This variant is not present in population databases (gnomAD no frequency).

NM_000268.4(NF2):c.1773C>A (p.Phe591Leu)

Gene: NF2 (NF2, moesin-ezrin-radixin like (MERLIN) tumor suppressor; plus strand). Cytogenetic location: 22q12.2.
Variant type: single nucleotide variant.
Coding change: c.1773C>A on transcript NM_000268.4 (MANE Select); coding-DNA position 1773, C replaced by A.
Protein change: p.Phe591Leu; replaces phenylalanine 591 with leucine.
Molecular consequence: missense variant. On other transcripts: non-coding transcript variant (1), 3 prime UTR variant (11).
Genome position (GRCh38, 1-based): chr22:29,694,787, C>A. VCF-style: chr22-29694787-C-A. GRCh37 (hg19) VCF-style: chr22-30090776-C-A.
Other names: c.483C>A, p.Phe161Leu (NM_181833.3); c.1659C>A, p.Phe553Leu (NM_001407053.1); c.1650C>A, p.Phe550Leu (NM_001407054.1); c.1647C>A, p.Phe549Leu (NM_001407055.1); c.*45C>A (NM_001407056.1, NM_001407059.1, NM_001407065.1 and 5 more transcripts); c.1638C>A, p.Phe546Leu (NM_001407057.1); c.*60C>A (NM_001407058.1, NM_001407063.1, NM_181832.3); c.1610C>A, p.Ser537Tyr (NM_001407060.1); and 2 more; short protein forms F553L, S454Y, F549L, S537Y, F161L, F505L, F591L, F546L.
Identifiers: ClinVar variation 2811309 (VCV002811309.3), dbSNP rs1267811070, ClinGen allele CA411152302.